The following is an entry in ClinVar:

NM_006231.4(POLE):c.6747+3G>A

Gene: POLE (DNA polymerase epsilon, catalytic subunit; minus strand). Cytogenetic location: 12q24.33.
Variant type: single nucleotide variant.
Coding change: c.6747+3G>A on transcript NM_006231.4 (MANE Select); 3 bases into the intron after coding-DNA position 6747, G replaced by A.
Molecular consequence: intron variant.
Genome position (GRCh38, 1-based): chr12:132,624,902, C>T on the plus strand (G>A on the coding strand, the complement: POLE is on the minus strand). VCF-style: chr12-132624902-C-T. GRCh37 (hg19) VCF-style: chr12-133201488-C-T.
Identifiers: ClinVar variation 2891481 (VCV002891481.3), dbSNP rs2541832852, ClinGen allele CA2739277418.

ClinVar aggregate classification (germline): Uncertain significance (1 of 4 stars; one submission).

Submission:

Labcorp Genetics (formerly Invitae), Labcorp
Classification: Uncertain significance. Last evaluated: 2025-01-27. Review status: criteria provided, single submitter. Criteria: Invitae Variant Classification Sherloc (09022015). Collection method: clinical testing. Allele origin: germline.
Comment: This sequence change falls in intron 48 of the POLE gene. It does not directly change the encoded amino acid sequence of the POLE protein. It affects a nucleotide within the consensus splice site. This variant is not present in population databases (gnomAD no frequency). This variant has not been reported in the literature in individuals affected with POLE-related conditions. ClinVar contains an entry for this variant (Variation ID: 2891481). Variants that disrupt the consensus splice site are a relatively common cause of aberrant splicing (PMID: 17576681, 9536098). Algorithms developed to predict the effect of sequence changes on RNA splicing suggest that this variant is not likely to affect RNA splicing. In summary, the available evidence is currently insufficient to determine the role of this variant in disease. Therefore, it has been classified as a Variant of Uncertain Significance.

Literature cited by the submitters: PubMed 17576681; PubMed 9536098.